The following is an entry in ClinVar:

NM_002381.5(MATN3):c.195del (p.Ser66fs)

Gene: MATN3 (matrilin 3; minus strand). Cytogenetic location: 2p24.1.
Variant type: Deletion.
Coding change: c.195del on transcript NM_002381.5 (MANE Select); coding-DNA position 195, one base deleted (C; older notation c.195delC).
Protein change: p.Ser66fs; shifts the reading frame from serine 66.
Molecular consequence: frameshift variant.
Genome position (GRCh38, 1-based): chr2:20,012,437, G deleted on the plus strand (C on the coding strand, the reverse complement: MATN3 is on the minus strand); the first of 2 consecutive G bases (chr2:20,012,437-20,012,438); deleting either gives the same sequence. VCF-style (leftmost placement, unchanged base first): chr2-20012436-TG-T. GRCh37 (hg19) VCF-style: chr2-20212197-TG-T.
Other names: short protein forms S66fs.
Identifiers: ClinVar variation 4534940 (VCV004534940.6).

ClinVar aggregate classification (germline): Uncertain significance (1 of 4 stars; one submission).

Submission:

CeGaT Center for Human Genetics Tuebingen
Classification: Uncertain significance. Last evaluated: 2025-10-01. Review status: criteria provided, single submitter. Criteria: CeGaT Center For Human Genetics Tuebingen Variant Classification Criteria Version 2. Collection method: clinical testing. Allele origin: germline. Affected: yes. Observed: 1 variant allele.
Comment: MATN3: PM2